The following is an entry in ClinVar:

NM_004656.4(BAP1):c.1913G>T (p.Cys638Phe)

Gene: BAP1 (BRCA1 associated deubiquitinase 1; minus strand). Cytogenetic location: 3p21.1.
Variant type: single nucleotide variant.
Coding change: c.1913G>T on transcript NM_004656.4 (MANE Select); coding-DNA position 1913, G replaced by T.
Protein change: p.Cys638Phe; replaces cysteine 638 with phenylalanine.
Molecular consequence: missense variant.
Genome position (GRCh38, 1-based): chr3:52,402,849, C>A on the plus strand (G>T on the coding strand, the complement: BAP1 is on the minus strand). VCF-style: chr3-52402849-C-A. GRCh37 (hg19) VCF-style: chr3-52436865-C-A.
Other names: c.1859G>T, p.Cys620Phe (NM_001410772.1); short protein forms C620F, C638F.
Identifiers: ClinVar variation 3819134 (VCV003819134.1).

ClinVar aggregate classification (germline): Uncertain significance (1 of 4 stars; one submission).

Conditions:
Hereditary cancer-predisposing syndrome. Also called: Hereditary neoplastic syndrome; Neoplastic Syndromes, Hereditary; Tumor predisposition; Hereditary Cancer Syndrome. Identifiers: Orphanet 140162, MedGen C0027672, MeSH D009386, MONDO:0015356.

Submission:

Ambry Genetics
Classification: Uncertain significance for Hereditary cancer-predisposing syndrome. Last evaluated: 2025-01-25. Review status: criteria provided, single submitter. Criteria: Ambry Variant Classification Scheme 2023. Collection method: clinical testing. Allele origin: germline.
Comment: The p.C638F variant (also known as c.1913G>T), located in coding exon 15 of the BAP1 gene, results from a G to T substitution at nucleotide position 1913. The cysteine at codon 638 is replaced by phenylalanine, an amino acid with highly dissimilar properties. This amino acid position is conserved. In addition, the in silico prediction for this alteration is inconclusive. Based on the available evidence, the clinical significance of this variant remains unclear.